The following is an entry in ClinVar:

ClinVar aggregate classification (germline): Conflicting classifications of pathogenicity. Review status: criteria provided, conflicting classifications (1 of 4 stars). 3 submissions from 3 submitters: Uncertain significance (2); Likely benign (1). Last evaluated 2024-04-12.

Conditions:
Hereditary breast ovarian cancer syndrome. Also called: Hereditary breast and ovarian cancer syndrome (HBOC); Hereditary breast and ovarian cancer; BRCA1- and BRCA2-Associated Hereditary Breast and Ovarian Cancer; Breast and ovarian cancer; Hereditary breast and ovarian cancer syndrome; Hereditary breast and/or ovarian cancer syndrome. Identifiers: Orphanet 145, MedGen C0677776, MeSH D061325, MONDO:0003582. Disease mechanism: loss of function.
Breast-ovarian cancer, familial, susceptibility to, 1 (BROVCA1). Also called: OVARIAN CANCER, SUSCEPTIBILITY TO; BRCA1 Hereditary Breast and Ovarian Cancer. Identifiers: Orphanet 145, MedGen C2676676, MONDO:0011450, OMIM 604370. Disease mechanism: loss of function.

Allele frequency attached by ClinVar (database versions not stated): gnomAD exomes below 0.00001.
gnomAD v4.1: 1 of 1,613,906 alleles (0.000062%); highest among the groups gnomAD compares: Admixed American, 0.0017%; no homozygotes.

Submissions (4):

Lupski Lab, Baylor-Hopkins CMG, Baylor College of Medicine
Classification: Likely benign for Breast-ovarian cancer, familial, susceptibility to, 1. Last evaluated: 2024-04-12. Review status: criteria provided, single submitter. Criteria: Dawood et al. (medRxiv. 2024). Collection method: curation. Allele origin: germline.
Comment: Each variant was annotated with functional scores from MAVE data which was translated into functional evidence codes. All other evidence codes and combining criteria were adhered to as closely as possible based on the ClinGen VCEP (Variant Curation Expert Panel) gene-specific recommendations. See Supplemental Figure 34 of final paper (Supp Fig. 28 in preprint: doi:10.1101/2024.04.11.24305690) for a table to see which lines of evidence we did not have data for. The ClinGen VCEPs are highly regarded as the gold-standard for gene-specific variant curation and are developed after extensive evaluation of the evidence by clinical and scientific experts for the particular gene to classify genomic variants on a spectrum from pathogenic to benign using the 2015 ACMG/AMP Variant Interpretation Guidelines as a backbone (PMID: 25741868). Reclassification of these VUS variants from gnomAD or All of Us focused only on variants originally prescribed as VUS in ClinVar. To ensure reproducibility, transparency, and increased throughput, all the procedures for annotating variants and assigning evidence codes were codified using Python. All code has been made freely available and is linked in the Code Availability section and all reclassified variants with evidence codes used can be found in Tables S18-19 (preprint: doi:10.1101/2024.04.11.24305690). For the MAVE data, the clinical curation and clinical strength assignment as per the ClinGen recommendations in Brnich et al. (2020) (PMID: 31892348) for or against pathogenicity or benignity of each of these MAVE datasets utilized in this study were previously published in Fayer et al. (2021) (PMID: 34793697).In brief, for BRCA1 variants, if a variant was categorized as FUNC (functional), it was assigned BS3 evidence and no PS3 evidence, whereas if it was categorized as LOF (loss of function), the variant was assigned PS3 evidence and no BS3 evidence. Variants categorized as INT (intermediate) were left unannotated. For the BRCA1 combining criteria, greater than or equal to 1 criteria of strong benign evidence was enough to reclassify the VUS as Likely Benign. This variant GRCh38:17:43051110:C>G was assigned evidence codes ['BS3', 'BP4'] and an overall classification of Likely benign

Labcorp Genetics (formerly Invitae), Labcorp
Classification: Uncertain significance for Hereditary breast ovarian cancer syndrome. Last evaluated: 2023-10-08. Review status: criteria provided, single submitter. Criteria: Invitae Variant Classification Sherloc (09022015). Collection method: clinical testing. Allele origin: germline.
Comment: This sequence change replaces arginine, which is basic and polar, with threonine, which is neutral and polar, at codon 1762 of the BRCA1 protein (p.Arg1762Thr). This variant is present in population databases (no rsID available, gnomAD 0.003%). This missense change has been observed in individual(s) with breast cancer (PMID: 31907386). ClinVar contains an entry for this variant (Variation ID: 648860). Advanced modeling performed at Invitae incorporating data from internal and/or published experimental studies (PMID: 30209399) indicates that this missense variant is not expected to disrupt BRCA1 function. In summary, the available evidence is currently insufficient to determine the role of this variant in disease. Therefore, it has been classified as a Variant of Uncertain Significance.

Quest Diagnostics Nichols Institute San Juan Capistrano
Classification: Uncertain significance. Last evaluated: 2022-10-21. Review status: criteria provided, single submitter. Criteria: Quest Diagnostics criteria. Collection method: clinical testing. Allele origin: unknown.
Comment: The frequency of this variant in the general population, 0.000004 (1/251234 chromosomes), is uninformative in assessment of its pathogenicity. In the published literature, the variant has been reported in an individual with breast cancer (PMID: 31907386 (2020)). One study showed this variant apparently retained functional activity in a large-scale study using a haploid cell line (PMID: 30209399 (2018)). Analysis of this variant using bioinformatics tools for the prediction of the effect of amino acid changes on protein structure and function yielded predictions that this variant is benign. Based on the available information, we are unable to determine the clinical significance of this variant.

Brotman Baty Institute, University of Washington
No classification provided (evidence only). Condition: Breast-ovarian cancer, familial 1. Review status: no classification provided. Collection method: in vitro. Allele origin: not applicable. Functional consequence: functionally_normal. Not counted in ClinVar's aggregate classification.
ClinVar note: "not provided" was previously submitted as the classification for the variant. However, the classification appeared to be based only on an observation of functional data so it was converted to no classification on 2025-07-30.

Literature cited by the submitters: PubMed 39142283 (cited by Lupski Lab, Baylor-Hopkins CMG, Baylor College of Medicine); PubMed 34793697 (cited by Lupski Lab, Baylor-Hopkins CMG, Baylor College of Medicine); DOI 10.1101/2024.04.11.24305690 (cited by Lupski Lab, Baylor-Hopkins CMG, Baylor College of Medicine); PubMed 31907386 (cited by Labcorp Genetics (formerly Invitae), Labcorp and Quest Diagnostics Nichols Institute San Juan Capistrano); PubMed 30209399 (cited by Labcorp Genetics (formerly Invitae), Labcorp and Quest Diagnostics Nichols Institute San Juan Capistrano).

NM_007294.4(BRCA1):c.5285G>C (p.Arg1762Thr)

Gene: BRCA1 (BRCA1 DNA repair associated; minus strand). Cytogenetic location: 17q21.31.
Variant type: single nucleotide variant.
Coding change: c.5285G>C on transcript NM_007294.4 (MANE Select); coding-DNA position 5285, G replaced by C.
Protein change: p.Arg1762Thr; replaces arginine 1762 with threonine.
Molecular consequence: missense variant. On other transcripts: non-coding transcript variant (1).
Genome position (GRCh38, 1-based): chr17:43,051,110, C>G on the plus strand (G>C on the coding strand, the complement: BRCA1 is on the minus strand). VCF-style: chr17-43051110-C-G. GRCh37 (hg19) VCF-style: chr17-41203127-C-G.
Other names: c.5279G>C, p.Arg1760Thr (NM_001407637.1, NM_001407638.1, NM_001407639.1 and 14 more transcripts); c.5276G>C, p.Arg1759Thr (NM_001407644.1, NM_001407645.1); c.5273G>C, p.Arg1758Thr (NM_001407646.1); c.5270G>C, p.Arg1757Thr (NM_001407647.1); c.5201G>C, p.Arg1734Thr (NM_001407659.1, NM_001407660.1, NM_001407661.1 and 2 more transcripts); c.5162G>C, p.Arg1721Thr (NM_001407664.1, NM_001407665.1, NM_001407666.1 and 5 more transcripts); c.5141G>C, p.Arg1714Thr (NM_001407743.1, NM_001407744.1, NM_001407745.1 and 21 more transcripts); c.5075G>C, p.Arg1692Thr (NM_001407885.1, NM_001407886.1, NM_001407887.1 and 5 more transcripts); and 72 more; short protein forms R1762T, R658T, R1783T, R1715T, R1465T, R1608T, R1649T, R1672T.
Identifiers: ClinVar variation 648860 (VCV000648860.15), dbSNP rs398122694, ClinGen allele CA10590974.
Genomic context (GRCh38, chr17:43,051,110, plus strand): 5'-CCCAGGCTCTTACCTGTGGGCATGTTGGTGAAGGGCCCATAGCAACAGATTTCTAGCCCC[C>G]TGAAGATCTGGAAGAAGAGAGGAAGAGAGAGGGACAGGGGAATGGAGAGAAGGAAAATCT-3'
Protein context (NP_009225.1, residues 1752-1772): ARESQDRKIF[Arg1762Thr]GLEICCYGPF